The following is an entry in ClinVar:

ClinVar aggregate classification (germline): Uncertain significance (1 of 4 stars; one submission).

Conditions:
Bethlem myopathy 1A. Also called: Bethlem myopathy 1; MYOPATHY, BENIGN CONGENITAL, WITH CONTRACTURES; Bethlem Muscular Dystrophy. Identifiers: Orphanet 610, MedGen CN029274, MONDO:0024530, OMIM 158810.

Submission:

Labcorp Genetics (formerly Invitae), Labcorp
Classification: Uncertain significance for Bethlem myopathy 1A. Last evaluated: 2021-11-02. Review status: criteria provided, single submitter. Criteria: Invitae Variant Classification Sherloc (09022015). Collection method: clinical testing. Allele origin: germline.
Comment: This variant disrupts the triple helix domain of COL6A2. Glycine residues within the Gly-Xaa-Yaa repeats of the triple helix domain are required for the structure and stability of fibrillar collagens (PMID: 7695699, 8218237, 19344236). In COL6A2, missense variants at these glycine residues are significantly enriched in individuals with autosomal dominant disease (PMID: 15689448, 24038877) compared to the general population (ExAC). This variant has not been reported in the literature in individuals affected with COL6A2-related conditions. This sequence change replaces glycine, which is neutral and non-polar, with arginine, which is basic and polar, at codon 409 of the COL6A2 protein (p.Gly409Arg). This variant is not present in population databases (gnomAD no frequency). ClinVar contains an entry for this variant (Variation ID: 570978). Advanced modeling of protein sequence and biophysical properties (such as structural, functional, and spatial information, amino acid conservation, physicochemical variation, residue mobility, and thermodynamic stability) performed at Invitae indicates that this missense variant is expected to disrupt COL6A2 protein function. In summary, the available evidence is currently insufficient to determine the role of this variant in disease. Therefore, it has been classified as a Variant of Uncertain Significance.

Literature cited by the submitters: PubMed 7695699; PubMed 8218237; PubMed 19344236; PubMed 15689448; PubMed 24038877.

NM_001849.4(COL6A2):c.1225G>A (p.Gly409Arg)

Gene: COL6A2 (collagen type VI alpha 2 chain; plus strand). Cytogenetic location: 21q22.3.
Variant type: single nucleotide variant.
Coding change: c.1225G>A on transcript NM_001849.4 (MANE Select); coding-DNA position 1225, G replaced by A.
Protein change: p.Gly409Arg; replaces glycine 409 with arginine.
Molecular consequence: missense variant.
Genome position (GRCh38, 1-based): chr21:46,119,075, G>A. VCF-style: chr21-46119075-G-A. GRCh37 (hg19) VCF-style: chr21-47538989-G-A.
Other names: c.1225G>A, p.Gly409Arg (NM_058174.3, NM_058175.3); short protein forms G409R.
Identifiers: ClinVar variation 570978 (VCV000570978.7), dbSNP rs1568931875, ClinGen allele CA410529875.